The following is an entry in ClinVar:

ClinVar aggregate classification (germline): other (0 of 4 stars; one submission).

Conditions:
Familial colorectal cancer. Identifiers: MedGen CN280943, MONDO:0023113. Disease mechanism: loss of function.

Submission:

Systems Biology Platform Zhejiang California International NanoSystems Institute
Classification: other for Familial colorectal cancer. Review status: no assertion criteria provided. Collection method: not provided. Allele origin: unknown.
ClinVar note: Converted during submission from cancer to other.

NM_000038.6(APC):c.646-86G>T

Gene: APC (APC regulator of WNT signaling pathway; plus strand). Cytogenetic location: 5q22.2.
Variant type: single nucleotide variant.
Coding change: c.646-86G>T on transcript NM_000038.6 (MANE Select); 86 bases into the intron before coding-DNA position 646, G replaced by T.
Molecular consequence: intron variant.
Genome position (GRCh38, 1-based): chr5:112,792,360, G>T. VCF-style: chr5-112792360-G-T. GRCh37 (hg19) VCF-style: chr5-112128057-G-T.
Other names: c.646-86G>T (NM_001354895.2, NM_001127510.3, NM_001354896.2 and 1 more transcripts); c.676-86G>T (NM_001354897.2, NM_001354902.2); c.676-8919G>T (NM_001127511.3); c.571-86G>T (NM_001354898.2, NM_001354904.2); c.-390-86G>T (NM_001354906.2); c.646-8919G>T (NM_001354899.2); c.469-86G>T (NM_001354900.2, NM_001354901.2, NM_001354905.2).
Identifiers: ClinVar variation 82477 (VCV000082477.2), dbSNP rs80121748, ClinGen allele CA012167.